The following is an entry in ClinVar:

NM_014915.3(ANKRD26):c.1903G>C (p.Gly635Arg)

Gene: ANKRD26 (ankyrin repeat domain 26; minus strand). Cytogenetic location: 10p12.1.
Variant type: single nucleotide variant.
Coding change: c.1903G>C on transcript NM_014915.3 (MANE Select); coding-DNA position 1903, G replaced by C.
Protein change: p.Gly635Arg; replaces glycine 635 with arginine.
Molecular consequence: missense variant.
Genome position (GRCh38, 1-based): chr10:27,046,435, C>G on the plus strand (G>C on the coding strand, the complement: ANKRD26 is on the minus strand). VCF-style: chr10-27046435-C-G. GRCh37 (hg19) VCF-style: chr10-27335364-C-G.
Other names: c.1900G>C, p.Gly634Arg (NM_001256053.2); short protein forms G634R, G635R.
Identifiers: ClinVar variation 4859342 (VCV004859342.1).

ClinVar aggregate classification (germline): Uncertain significance (1 of 4 stars; one submission).

Conditions:
Inborn genetic diseases. Identifiers: MedGen C0950123, MeSH D030342.

Submission:

Ambry Genetics
Classification: Uncertain significance for Inborn genetic diseases. Last evaluated: 2026-04-16. Review status: criteria provided, single submitter. Criteria: Ambry Variant Classification Scheme 2023. Collection method: clinical testing. Allele origin: germline.
Comment: The p.G635R variant (also known as c.1903G>C), located in coding exon 18 of the ANKRD26 gene, results from a G to C substitution at nucleotide position 1903. The glycine at codon 635 is replaced by arginine, an amino acid with dissimilar properties. This amino acid position is conserved. In addition, this alteration is predicted to be tolerated by in silico analysis. Based on the available evidence, the clinical significance of this variant remains unclear.